The following is an entry in ClinVar:

NM_000179.3(MSH6):c.2728A>C (p.Asn910His)

Gene: MSH6 (mutS homolog 6; plus strand). Cytogenetic location: 2p16.3.
Variant type: single nucleotide variant.
Coding change: c.2728A>C on transcript NM_000179.3 (MANE Select); coding-DNA position 2728, A replaced by C.
Protein change: p.Asn910His; replaces asparagine 910 with histidine.
Molecular consequence: missense variant.
Genome position (GRCh38, 1-based): chr2:47,800,711, A>C. VCF-style: chr2-47800711-A-C. GRCh37 (hg19) VCF-style: chr2-48027850-A-C.
Other names: c.2338A>C, p.Asn780His (NM_001281492.2); c.1822A>C, p.Asn608His (NM_001281493.2, NM_001281494.2, NM_001406811.1 and 6 more transcripts); c.2824A>C, p.Asn942His (NM_001406795.1, NM_001406802.1); c.2728A>C, p.Asn910His (NM_001406796.1, NM_001406798.1, NM_001406800.1 and 2 more transcripts); c.2431A>C, p.Asn811His (NM_001406797.1, NM_001406818.1, NM_001406819.1 and 10 more transcripts); c.2734A>C, p.Asn912His (NM_001406813.1); c.673A>C, p.Asn225His (NM_001407362.1); c.2203A>C, p.Asn735His (NM_001406799.1, NM_001406806.1, NM_001406807.1); and 2 more; short protein forms N780H, N910H, N225H, N884H, N735H, N942H, N608H, N811H.
Identifiers: ClinVar variation 2122386 (VCV002122386.4), dbSNP rs2104421171, ClinGen allele CA346755370.
Genomic context (GRCh38, chr2:47,800,711, plus strand): 5'-GTCATCTCTCTGCAGACAAAAAATCCTGAAGGTCGTTTTCCTGATTTGACTGTAGAATTG[A>C]ACCGATGGGATACAGCCTTTGACCATGAAAAGGCTCGAAAGACTGGACTTATTACTCCCA-3'
Protein context (NP_000170.1, residues 900-920): GRFPDLTVEL[Asn910His]RWDTAFDHEK

ClinVar aggregate classification (germline): Uncertain significance (1 of 4 stars; one submission).

Conditions:
Hereditary nonpolyposis colorectal neoplasms. Identifiers: MedGen C0009405, MeSH D003123.

Submission:

Labcorp Genetics (formerly Invitae), Labcorp
Classification: Uncertain significance for Hereditary nonpolyposis colorectal neoplasms. Last evaluated: 2022-04-07. Review status: criteria provided, single submitter. Criteria: Invitae Variant Classification Sherloc (09022015). Collection method: clinical testing. Allele origin: germline.
Comment: In summary, the available evidence is currently insufficient to determine the role of this variant in disease. Therefore, it has been classified as a Variant of Uncertain Significance. Advanced modeling of protein sequence and biophysical properties (such as structural, functional, and spatial information, amino acid conservation, physicochemical variation, residue mobility, and thermodynamic stability) performed at Invitae indicates that this missense variant is not expected to disrupt MSH6 protein function. This variant has not been reported in the literature in individuals affected with MSH6-related conditions. This variant is not present in population databases (gnomAD no frequency). This sequence change replaces asparagine, which is neutral and polar, with histidine, which is basic and polar, at codon 910 of the MSH6 protein (p.Asn910His).